The following is an entry in ClinVar:

NM_001557.4(CXCR2):c.664G>A (p.Val222Met)

Gene: CXCR2 (C-X-C motif chemokine receptor 2; plus strand). Cytogenetic location: 2q35.
Variant type: single nucleotide variant.
Coding change: c.664G>A on transcript NM_001557.4 (MANE Select); coding-DNA position 664, G replaced by A.
Protein change: p.Val222Met; replaces valine 222 with methionine.
Molecular consequence: missense variant.
Genome position (GRCh38, 1-based): chr2:218,135,465, G>A. VCF-style: chr2-218135465-G-A. GRCh37 (hg19) VCF-style: chr2-219000188-G-A.
Other names: c.664G>A, p.Val222Met (NM_001168298.2); short protein forms V222M.
Identifiers: ClinVar variation 2164631 (VCV002164631.4), dbSNP rs764732879, ClinGen allele CA2101746.

ClinVar aggregate classification (germline): Uncertain significance (1 of 4 stars; one submission).

Allele frequency attached by ClinVar (database versions not stated): TOPMed below 0.00001; gnomAD 0.00001.

Submission:

Labcorp Genetics (formerly Invitae), Labcorp
Classification: Uncertain significance. Last evaluated: 2022-12-04. Review status: criteria provided, single submitter. Criteria: Invitae Variant Classification Sherloc (09022015). Collection method: clinical testing. Allele origin: germline.
Comment: This sequence change replaces valine, which is neutral and non-polar, with methionine, which is neutral and non-polar, at codon 222 of the CXCR2 protein (p.Val222Met). In summary, the available evidence is currently insufficient to determine the role of this variant in disease. Therefore, it has been classified as a Variant of Uncertain Significance. Algorithms developed to predict the effect of missense changes on protein structure and function output the following: SIFT: "Deleterious"; PolyPhen-2: "Benign"; Align-GVGD: "Class C0". The methionine amino acid residue is found in multiple mammalian species, which suggests that this missense change does not adversely affect protein function. This variant has not been reported in the literature in individuals affected with CXCR2-related conditions. This variant is present in population databases (rs764732879, gnomAD 0.003%).